The following is an entry in ClinVar:

NM_016026.4(RDH11):c.349+1G>T

Genes: GPHN (gephyrin; plus strand), RDH11 (retinol dehydrogenase 11; minus strand). Cytogenetic location: 14q24.1.
Variant type: single nucleotide variant.
Coding change: c.349+1G>T on transcript NM_016026.4 (MANE Select); the canonical splice donor site of the intron after coding-DNA position 349, G replaced by T.
Molecular consequence: splice donor variant.
Genome position (GRCh38, 1-based): chr14:67,692,437, C>A on the plus strand (G>T on the coding strand, the complement: RDH11 is on the minus strand). VCF-style: chr14-67692437-C-A. GRCh37 (hg19) VCF-style: chr14-68159154-C-A.
Other names: c.349+1G>T (NM_001252650.2).
Identifiers: ClinVar variation 4718122 (VCV004718122.2).
Genomic context (GRCh38, chr14:67,692,437, plus strand): 5'-AGTTGAATCTGCCATGTTGACCTCAAGACCCACAACATAGTCTCTCTAGTTCTACACTTA[C>A]CAGCTAAGAAGCCCTTAGCAAAAGCTCGAATAGACTTAGTATCAGACAGGTCCAGTTTCC-3'

ClinVar aggregate classification (germline): Conflicting classifications of pathogenicity. Review status: criteria provided, conflicting classifications (1 of 4 stars). 2 submissions from 2 submitters: Likely pathogenic (1); Uncertain significance (1). Last evaluated 2025-04-22.

Submissions (2):

Labcorp Genetics (formerly Invitae), Labcorp
Classification: Likely pathogenic. Last evaluated: 2025-04-22. Review status: criteria provided, single submitter. Criteria: Invitae Variant Classification Sherloc (09022015). Collection method: clinical testing. Allele origin: germline.
Comment: This sequence change affects a donor splice site in intron 3 of the RDH11 gene. It is expected to disrupt RNA splicing. Variants that disrupt the donor or acceptor splice site typically lead to a loss of protein function (PMID: 16199547), and loss-of-function variants in RDH11 are known to be pathogenic (PMID: 24916380). This variant is not present in population databases (gnomAD no frequency). This variant has not been reported in the literature in individuals affected with RDH11-related conditions. Algorithms developed to predict the effect of sequence changes on RNA splicing suggest that this variant may disrupt the consensus splice site. In summary, the currently available evidence indicates that the variant is pathogenic, but additional data are needed to prove that conclusively. Therefore, this variant has been classified as Likely Pathogenic.

Blueprint Genetics
Classification: Uncertain significance. Last evaluated: 2019-12-23. Review status: criteria provided, single submitter. Criteria: ACMG Guidelines, 2015. Collection method: clinical testing. Allele origin: germline.

Literature cited by the submitters: PubMed 16199547 (cited by Labcorp Genetics (formerly Invitae), Labcorp); PubMed 24916380 (cited by Labcorp Genetics (formerly Invitae), Labcorp).